The following is an entry in ClinVar:

NM_005321.3(H1-4):c.123C>T (p.Ser41=)

Gene: H1-4 (H1.4 linker histone, cluster member; plus strand). Cytogenetic location: 6p22.2.
Variant type: single nucleotide variant.
Coding change: c.123C>T on transcript NM_005321.3 (MANE Select); coding-DNA position 123, C replaced by T.
Protein change: p.Ser41=; no amino-acid change (serine 41 retained).
Molecular consequence: synonymous variant.
Genome position (GRCh38, 1-based): chr6:26,156,513, C>T. VCF-style: chr6-26156513-C-T. GRCh37 (hg19) VCF-style: chr6-26156741-C-T.
Identifiers: ClinVar variation 4998325 (VCV004998325.1).

ClinVar aggregate classification (germline): Likely benign (1 of 4 stars; one submission).

Conditions:
H1-4-related disorder. Also called: H1-4-related condition.

gnomAD v4.1: 87 of 1,613,884 alleles (0.0054%); highest among the groups gnomAD compares: African/African-American, 0.1%; no homozygotes.

Submission:

PreventionGenetics, part of Exact Sciences
Classification: Likely benign for H1-4-related condition. Last evaluated: 2025-11-15. Review status: criteria provided, single submitter. Criteria: ACMG Guidelines, 2015. Collection method: clinical testing. Allele origin: germline.
Comment: This variant is classified as likely benign based on ACMG/AMP sequence variant interpretation guidelines (Richards et al. 2015 PMID: 25741868, with internal and published modifications).